The following is an entry in ClinVar:

NM_000059.4(BRCA2):c.6405_6409del (p.Asn2135fs)

Gene: BRCA2 (BRCA2 DNA repair associated; plus strand). Cytogenetic location: 13q13.1.
Variant type: Deletion.
Coding change: c.6405_6409del on transcript NM_000059.4 (MANE Select); coding-DNA positions 6405 to 6409, 5 bases deleted (CTTAA; older notation c.6405_6409delCTTAA).
Protein change: p.Asn2135fs; shifts the reading frame from asparagine 2135.
Genome position (GRCh38, 1-based): chr13:32,340,760-32,340,764, CTTAA deleted; deleting any 5 consecutive bases within chr13:32,340,757-32,340,764 gives the same sequence; the c. name uses the placement nearest the transcript's 3' end. VCF-style (leftmost placement, unchanged base first): chr13-32340756-ATAACT-A. GRCh37 (hg19) VCF-style: chr13-32914893-ATAACT-A.
Other names: 6630del5; 6633_6637delCTTAA; 6633del5; c.6405_6409del (NM_001432077.1); c.6402_6406delTAACT (NM_000059.3); c.6405_6409delCTTAA (NM_000059.3); short protein forms N2135fs.
Identifiers: ClinVar variation 38043 (VCV000038043.117), dbSNP rs80359584, ClinGen allele CA023991.
Genomic context (GRCh38, chr13:32,340,756, plus strand): 5'-CAGAGCACTGTGTAAACTCAGAAATGGAAAAAACCTGCAGTAAAGAATTTAAATTATCAA[ATAACT>A]TAAATGTTGAAGGTGGTTCTTCAGAAAATAATCACTCTATTAAAGTTTCTCCATATCTCT-3'

ClinVar aggregate classification (germline): Pathogenic. Review status: reviewed by expert panel (3 of 4 stars). 57 submissions from 55 submitters: Pathogenic (1). 56 of the submissions do not count toward it. Last evaluated 2016-04-22.

Conditions:
Inherited ovarian cancer (without breast cancer).
Inherited breast cancer and ovarian cancer.
BRCA2-related cancer predisposition. Identifiers: MedGen CN377758, MONDO:0700269.
Malignant tumor of pancreas. Also called: Malignant pancreatic neoplasm; Cancer of the pancreas; Pancreatic cancer. Identifiers: MedGen C0346647, MONDO:0009831.
Pancreatic cancer, susceptibility to, 2. Identifiers: Orphanet 1333, MedGen C3150546, MONDO:0013235, OMIM 613347.
Glioma susceptibility 3 (GLM3). Also called: Glioblastoma 3. Identifiers: Orphanet 182067, Orphanet 360, MedGen C2751641, MONDO:0013093, OMIM 613029.
Familial prostate cancer. Also called: Hereditary Prostate Cancer. Identifiers: MedGen C2931456, MONDO:0700275, OMIM 176807.
Breast-ovarian cancer, familial, susceptibility to, 2 (BROVCA2). Also called: BRCA2 Hereditary Breast and Ovarian Cancer. Identifiers: Orphanet 145, MedGen C2675520, MONDO:0012933, OMIM 612555. Disease mechanism: loss of function.
Fanconi anemia complementation group D1. Also called: BRCA2-Related Fanconi Anemia. Identifiers: Orphanet 319462, MedGen C1838457, MONDO:0011584, OMIM 605724.
Medulloblastoma (MDB). Also called: Medulloblastoma, somatic; MEDULLOBLASTOMA PREDISPOSITION SYNDROME. Identifiers: Orphanet 616, MedGen C0025149, MeSH D008527, MONDO:0007959, OMIM 155255, HP:0002885.
Wilms tumor 1 (WT1). Also called: Wilms tumor, somatic. Identifiers: Orphanet 654, MedGen CN033288, MONDO:0008679, OMIM 194070.
Familial cancer of breast. Also called: BREAST CANCER, FAMILIAL; hereditary breast carcinoma; Hereditary breast cancer. Identifiers: Orphanet 227535, MedGen C0346153, MONDO:0016419, OMIM 114480. Disease mechanism: loss of function.
BRCA2-related disorder. Also called: BRCA2-related condition; BRCA2-related disorders. Identifiers: MedGen CN239275.
Breast and/or ovarian cancer. Identifiers: MedGen CN221562.
Hereditary cancer-predisposing syndrome. Also called: Neoplastic Syndromes, Hereditary; Tumor predisposition; Hereditary Cancer Syndrome; Hereditary neoplastic syndrome. Identifiers: Orphanet 140162, MedGen C0027672, MeSH D009386, MONDO:0015356.
Breast neoplasm. Also called: Breast Neoplasms; Neoplasm of breast; Breast tumor; Neoplasm of the breast. Identifiers: MedGen C1458155, MeSH D001943, MONDO:0021100, HP:0100013. Disease mechanism: gain of function.
Gastric cancer. Also called: Malignant tumor of stomach; Stomach cancer. Identifiers: MedGen C0024623, MeSH D013274, MONDO:0001056, OMIM 613659, HP:0012126.
Hereditary breast ovarian cancer syndrome. Also called: Breast and ovarian cancer; Hereditary breast and ovarian cancer; Hereditary breast and ovarian cancer syndrome (HBOC); Hereditary breast and ovarian cancer syndrome; BRCA1- and BRCA2-Associated Hereditary Breast and Ovarian Cancer; Hereditary breast and/or ovarian cancer syndrome. Identifiers: Orphanet 145, MedGen C0677776, MeSH D061325, MONDO:0003582. Disease mechanism: loss of function.
Breast-ovarian cancer, familial, susceptibility to, 1 (BROVCA1). Also called: BRCA1 Hereditary Breast and Ovarian Cancer; OVARIAN CANCER, SUSCEPTIBILITY TO. Identifiers: Orphanet 145, MedGen C2676676, MONDO:0011450, OMIM 604370. Disease mechanism: loss of function.
Breast carcinoma. Also called: Carcinoma of breast. Identifiers: MedGen C0678222, MONDO:0004989, HP:0003002.

Submissions 1 to 9 of 57:

Evidence-based Network for the Interpretation of Germline Mutant Alleles (ENIGMA)
Classification: Pathogenic for Breast-ovarian cancer, familial, susceptibility to, 2. Last evaluated: 2016-04-22. Review status: reviewed by expert panel. Criteria: ENIGMA BRCA1/2 Classification Criteria (2015). Collection method: curation. Allele origin: germline.
Comment: Variant allele predicted to encode a truncated non-functional protein.

CeGaT Center for Human Genetics Tuebingen
Classification: Pathogenic. Last evaluated: 2026-07-01. Review status: criteria provided, single submitter. Criteria: CeGaT Center For Human Genetics Tuebingen Variant Classification Criteria Version 2. Collection method: clinical testing. Allele origin: germline. Affected: yes. Observed: 2 variant alleles. Not counted in ClinVar's aggregate classification.
Comment: BRCA2: PVS1, PS4:Moderate, PM2:Supporting

PreventionGenetics, part of Exact Sciences
Classification: Pathogenic for BRCA2-related condition. Last evaluated: 2026-05-26. Review status: criteria provided, single submitter. Criteria: ACMG Guidelines, 2015. Collection method: clinical testing. Allele origin: germline. Not counted in ClinVar's aggregate classification.
Comment: The BRCA2 c.6405_6409del5 variant is predicted to result in a frameshift and premature protein termination (p.Asn2135Lysfs*3). In the literature, this variant may be referred to as N2135fs, 6630del5, 6633_6637delCTTAA, 6633del5, or rs80359584. This variant has been repeatedly reported in individuals with various cancers such as breast, ovarian, prostate, and acute leukemia (reported as 6630del5 in Table 1, Gayther et al. 1997. PubMed ID: 8988179; reported as 6633del5 in Table 1, Risch et al. 2001. PubMed ID: 11179017; Table 2, Lhotova et al. 2020. PubMed ID: 32295079; reported as rs80359584 in Table S3, Darst et al. 2021. PubMed ID: 32853339). This variant has been reported in 1 of over 240,000 individuals in gnomAD, indicating that it is rare. In ClinVar, this variant is interpreted as pathogenic (Variation ID: 38043). Frameshift variants in BRCA2 are expected to be pathogenic. Taken together, this variant is interpreted as pathogenic.

Institute of Human Genetics, University of Leipzig Medical Center
Classification: Pathogenic for Breast-ovarian cancer, familial, susceptibility to, 2. Last evaluated: 2026-02-09. Review status: criteria provided, single submitter. Criteria: ACMG Guidelines, 2015. Collection method: clinical testing. Allele origin: unknown. Inheritance: Autosomal dominant inheritance. Affected: yes. Not counted in ClinVar's aggregate classification.
Comment: Criteria applied: PVS1,PM5_STR,PP4_MOD

Labcorp Genetics (formerly Invitae), Labcorp
Classification: Pathogenic for Hereditary breast ovarian cancer syndrome. Last evaluated: 2026-01-20. Review status: criteria provided, single submitter. Criteria: Invitae Variant Classification Sherloc (09022015). Collection method: clinical testing. Allele origin: germline. Not counted in ClinVar's aggregate classification.
Comment: This sequence change creates a premature translational stop signal (p.Asn2135Lysfs*3) in the BRCA2 gene. It is expected to result in an absent or disrupted protein product. Loss-of-function variants in BRCA2 are known to be pathogenic (PMID: 20104584). This variant is present in population databases (rs80359584, gnomAD no frequency). This premature translational stop signal has been observed in individual(s) with breast, ovarian, and prostate cancer (PMID: 8988179, 11179017, 17063270, 21324516, 21952622, 25802882, 26026974). This variant is also known as c.6402_6406delTAACT, 6630del5, and 6633del5. ClinVar contains an entry for this variant (Variation ID: 38043). For these reasons, this variant has been classified as Pathogenic.

Dasa
Classification: Pathogenic for Breast-ovarian cancer, familial, susceptibility to, 2. Last evaluated: 2026-01-13. Review status: criteria provided, single submitter. Criteria: DASA Assertion Criteria. Collection method: clinical testing. Allele origin: germline. Not counted in ClinVar's aggregate classification.
Comment: NM_000059.4(BRCA2):c.6405_6409del (p.Asn2135LysfsTer3) is a frameshift variant in BRCA2 predicted to alter the reading frame and introduce a premature termination codon and is predicted to result in an absent or altered protein product. Loss of function is an established disease mechanism for BRCA2 (PMID: 16199546; PMID: 17063271; PMID: 25632310). The affected residue or protein region has prior evidence supporting clinical relevance. This variant has been reported in individuals with Breast-ovarian cancer, familial, susceptibility to, 2. Also, this variant is rare in population databases. Based on the currently available evidence, this variant is classified as pathogenic.

Genetics Laboratory, Great Ormond Street Hospital NHS Foundation Trust, North Thames Genomic Laboratory Hub
Classification: Pathogenic for Inherited ovarian cancer (without breast cancer). Last evaluated: 2026-01-12. Review status: criteria provided, single submitter. Criteria: CanVIG BRCA Gene Specific V1.22. Collection method: clinical testing. Allele origin: germline. Affected: yes. Not counted in ClinVar's aggregate classification.
Comment: PS4_very-strong, PVS1_very-strong, PM5_strong

Genetics Laboratory, Great Ormond Street Hospital NHS Foundation Trust, North Thames Genomic Laboratory Hub
Classification: Pathogenic for Inherited breast cancer and ovarian cancer. Last evaluated: 2026-01-12. Review status: criteria provided, single submitter. Criteria: CanVIG BRCA Gene Specific V1.22. Collection method: clinical testing. Allele origin: germline. Affected: yes. Not counted in ClinVar's aggregate classification.
Comment: the same text as in the submission from Genetics Laboratory, Great Ormond Street Hospital NHS Foundation Trust, North Thames Genomic Laboratory Hub above.

Institute of Immunology and Genetics Kaiserslautern
Classification: Pathogenic for Breast-ovarian cancer, familial, susceptibility to, 1. Last evaluated: 2025-08-01. Review status: criteria provided, single submitter. Criteria: ACMG Guidelines, 2015. Collection method: clinical testing. Allele origin: germline. Affected: yes. Not counted in ClinVar's aggregate classification.
Comment: ACMG Criteria: PVS1, PM2, PP5_M.